The following is an entry in ClinVar:

NM_152383.5(DIS3L2):c.2110C>T (p.Arg704Cys)

Gene: DIS3L2 (DIS3 like 3'-5' exoribonuclease 2; plus strand). Cytogenetic location: 2q37.1.
Variant type: single nucleotide variant.
Coding change: c.2110C>T on transcript NM_152383.5 (MANE Select); coding-DNA position 2110, C replaced by T.
Protein change: p.Arg704Cys; replaces arginine 704 with cysteine.
Molecular consequence: missense variant. On other transcripts: non-coding transcript variant (2), intron variant (1).
Genome position (GRCh38, 1-based): chr2:232,333,939, C>T. VCF-style: chr2-232333939-C-T. GRCh37 (hg19) VCF-style: chr2-233198649-C-T.
Other names: c.1582-9406C>T (NM_001257281.2); short protein forms R704C.
Identifiers: ClinVar variation 2843942 (VCV002843942.3), dbSNP rs2469446603, ClinGen allele CA350977500.

ClinVar aggregate classification (germline): Uncertain significance (1 of 4 stars; one submission).

Conditions:
Perlman syndrome (PRLMNS). Identifiers: Orphanet 2849, MedGen C0796113, MONDO:0009965, OMIM 267000.

Submission:

Labcorp Genetics (formerly Invitae), Labcorp
Classification: Uncertain significance for Perlman syndrome. Last evaluated: 2023-03-08. Review status: criteria provided, single submitter. Criteria: Invitae Variant Classification Sherloc (09022015). Collection method: clinical testing. Allele origin: germline.
Comment: In summary, the available evidence is currently insufficient to determine the role of this variant in disease. Therefore, it has been classified as a Variant of Uncertain Significance. Advanced modeling of protein sequence and biophysical properties (such as structural, functional, and spatial information, amino acid conservation, physicochemical variation, residue mobility, and thermodynamic stability) performed at Invitae indicates that this missense variant is expected to disrupt DIS3L2 protein function. This variant has not been reported in the literature in individuals affected with DIS3L2-related conditions. This variant is not present in population databases (gnomAD no frequency). This sequence change replaces arginine, which is basic and polar, with cysteine, which is neutral and slightly polar, at codon 704 of the DIS3L2 protein (p.Arg704Cys).